The following is an entry in ClinVar:

NM_178857.6(RP1L1):c.1067A>T (p.Asp356Val)

Gene: RP1L1 (RP1 like 1). Cytogenetic location: 8p23.1.
Variant type: single nucleotide variant.
Coding change: c.1067A>T on transcript NM_178857.6 (MANE Select); coding-DNA position 1067, A replaced by T.
Protein change: p.Asp356Val; replaces aspartic acid 356 with valine.
Molecular consequence: missense variant.
Genome position (GRCh38, 1-based): chr8:10,613,031, T>A on the plus strand (A>T on the coding strand, the complement: RP1L1 is on the minus strand). VCF-style: chr8-10613031-T-A. GRCh37 (hg19) VCF-style: chr8-10470541-T-A.
Other names: short protein forms D356V.
Identifiers: ClinVar variation 361386 (VCV000361386.51), dbSNP rs750107135, ClinGen allele CA4625331.

ClinVar aggregate classification (germline): Conflicting classifications of pathogenicity. Review status: criteria provided, conflicting classifications (1 of 4 stars). 5 submissions from 5 submitters: Uncertain significance (4); Likely benign (1). Last evaluated 2024-11-22.

Conditions:
Occult macular dystrophy (OCMD). Also called: OMD; OCCULT MACULAR DYSTROPHY, SUSCEPTIBILITY TO. Identifiers: Orphanet 247834, MedGen C3150833, MONDO:0013316, OMIM 613587, HP:0030636.
RP1L1-related disorder. Also called: RP1L1-related condition.
Inborn genetic diseases. Identifiers: MedGen C0950123, MeSH D030342.

Allele frequency attached by ClinVar (database versions not stated): gnomAD 0.00005 and 0.00006; TOPMed 0.00005; ExAC 0.00006; gnomAD exomes 0.00008.
gnomAD v4.1: 122 of 1,613,234 alleles (0.0076%); highest among the groups gnomAD compares: Non-Finnish European, 0.01%; no homozygotes.

Submissions (5):

PreventionGenetics, part of Exact Sciences
Classification: Uncertain significance for RP1L1-related condition. Last evaluated: 2024-11-22. Review status: criteria provided, single submitter. Criteria: ACMG Guidelines, 2015. Collection method: clinical testing. Allele origin: germline.
Comment: The RP1L1 c.1067A>T variant is predicted to result in the amino acid substitution p.Asp356Val. To our knowledge, this variant has not been reported in the literature. This variant is present in 0.016% of alleles in individuals of European (Non-Finnish) descent in gnomAD. At this time, the clinical significance of this variant is uncertain due to the absence of conclusive functional and genetic evidence.

Blueprint Genetics
Classification: Uncertain significance. Last evaluated: 2024-10-17. Review status: criteria provided, single submitter. Criteria: ACMG Guidelines, 2015. Collection method: clinical testing. Allele origin: germline.

Ambry Genetics
Classification: Uncertain significance for Inborn genetic diseases. Last evaluated: 2022-12-13. Review status: criteria provided, single submitter. Criteria: Ambry Variant Classification Scheme 2023. Collection method: clinical testing. Allele origin: germline.

CeGaT Center for Human Genetics Tuebingen
Classification: Uncertain significance. Last evaluated: 2018-06-01. Review status: criteria provided, single submitter. Criteria: CeGaT Center For Human Genetics Tuebingen Variant Classification Criteria Version 2. Collection method: clinical testing. Allele origin: germline. Affected: yes. Observed: 2 variant alleles.

Illumina Laboratory Services, Illumina
Classification: Likely benign for Occult macular dystrophy. Last evaluated: 2018-01-12. Review status: criteria provided, single submitter. Criteria: ICSL Variant Classification Criteria 13 December 2019. Collection method: clinical testing. Allele origin: germline.
Comment: This variant was observed in the ICSL laboratory as part of a predisposition screen in an ostensibly healthy population. It had not been previously curated by ICSL or reported in the Human Gene Mutation Database (HGMD: prior to June 1st, 2018), and was therefore a candidate for classification through an automated scoring system. Utilizing variant allele frequency, disease prevalence and penetrance estimates, and inheritance mode, an automated score was calculated to assess if this variant is too frequent to cause the disease. Based on the score and internal cut-off values, a variant classified as likely benign is not then subjected to further curation. The score for this variant resulted in a classification of likely benign for this disease.